The following is an entry in ClinVar:

ClinVar aggregate classification (germline): Likely pathogenic (1 of 4 stars; one submission).

Conditions:
Congenital lipoid adrenal hyperplasia due to STAR deficency. Also called: Congenital Lipoid Adrenal Hyperplasia; Cholesterol monooxygenase (side-chain cleaving) deficiency; Lipoid adrenal hyperplasia; ADRENAL HYPERPLASIA I. Identifiers: Orphanet 418, Orphanet 90790, MedGen C0342474, MONDO:0008725, OMIM 201710.

Submission:

Myriad Genetics, Inc.
Classification: Likely pathogenic for Congenital lipoid adrenal hyperplasia due to STAR deficency. Last evaluated: 2022-02-05. Review status: criteria provided, single submitter. Criteria: Myriad Women's Health Autosomal Recessive and X-Linked Classification Criteria (2021). Collection method: clinical testing. Allele origin: unknown.
Comment: NM_000349.2(STAR):c.391_392insT(E131Vfs*5) is expected to be pathogenic in the context of lipoid congenital adrenal hyperplasia. This variant is predicted to lead to an abnormal or absent protein product due to the creation of a premature termination codon in STAR, a gene where loss-of-function variants are known to be pathogenic. Please note: this variant was assessed in the context of healthy population screening.

NM_000349.3(STAR):c.391_392insT (p.Glu131fs)

Gene: STAR (steroidogenic acute regulatory protein; minus strand). Cytogenetic location: 8p11.23.
Variant type: Insertion.
Coding change: c.391_392insT on transcript NM_000349.3 (MANE Select); coding-DNA positions 391 to 392, T inserted.
Protein change: p.Glu131fs; shifts the reading frame from glutamic acid 131.
Molecular consequence: frameshift variant.
Genome position: GRCh38 VCF-style: chr8-38146362-T-TA. GRCh37 (hg19) VCF-style: chr8-38003880-T-TA.
Other names: short protein forms E131fs.
Identifiers: ClinVar variation 1724306 (VCV001724306.2), dbSNP rs2487063393, ClinGen allele CA2580078230.
Genomic context (GRCh38, chr8:38,146,362, plus strand): 5'-ACATTGGGGTTCCACTCCCCCATTGCTTCCATGCGCTCCACGAGCTCTTCATAGAGCCTC[T>TA]CCATGGGCTGGTCCACCACGACCTCCAGCCGGAACACCTTGCCCACATCTGGGACCACTT-3'